The following is an entry in ClinVar:

NM_000138.5(FBN1):c.3297del (p.Gly1100fs)

Gene: FBN1 (fibrillin 1; minus strand). Cytogenetic location: 15q21.1.
Variant type: Deletion.
Coding change: c.3297del on transcript NM_000138.5 (MANE Select); coding-DNA position 3297, one base deleted (A; older notation c.3297delA).
Protein change: p.Gly1100fs; shifts the reading frame from glycine 1100.
Molecular consequence: frameshift variant.
Genome position (GRCh38, 1-based): chr15:48,488,153, T deleted on the plus strand (A on the coding strand, the reverse complement: FBN1 is on the minus strand); the first of 2 consecutive T bases (chr15:48,488,153-48,488,154); deleting either gives the same sequence. VCF-style (leftmost placement, unchanged base first): chr15-48488152-CT-C. GRCh37 (hg19) VCF-style: chr15-48780349-CT-C.
Other names: c.3297del, p.Gly1100fs (NM_001406716.1); short protein forms G1100fs.
Identifiers: ClinVar variation 3759387 (VCV003759387.2).

ClinVar aggregate classification (germline): Pathogenic (1 of 4 stars; one submission).

Conditions:
Marfan syndrome (MFS). Also called: MARFAN SYNDROME, TYPE I; Marfan syndrome type 1; Marfan's syndrome; Marfan syndrome, classic; FBN1-Related Marfan Syndrome. Identifiers: Orphanet 284963, Orphanet 558, MedGen C0024796, MONDO:0007947, OMIM 154700.
Familial thoracic aortic aneurysm and aortic dissection (TAAD). Also called: Thoracic aortic aneurysms and dissections. Identifiers: Orphanet 91387, MedGen C4707243, MONDO:0019625.

Submission:

Labcorp Genetics (formerly Invitae), Labcorp
Classification: Pathogenic for Marfan syndrome; Familial thoracic aortic aneurysm and aortic dissection. Last evaluated: 2024-10-07. Review status: criteria provided, single submitter. Criteria: Invitae Variant Classification Sherloc (09022015). Collection method: clinical testing. Allele origin: germline.
Comment: This sequence change creates a premature translational stop signal (p.Gly1100Alafs*7) in the FBN1 gene. It is expected to result in an absent or disrupted protein product. Loss-of-function variants in FBN1 are known to be pathogenic (PMID: 17657824, 19293843). This variant is not present in population databases (gnomAD no frequency). This variant has not been reported in the literature in individuals affected with FBN1-related conditions. For these reasons, this variant has been classified as Pathogenic.

Literature cited by the submitters: PubMed 17657824; PubMed 19293843.